The following is an entry in ClinVar:

ClinVar aggregate classification (germline): Conflicting classifications of pathogenicity. Review status: criteria provided, conflicting classifications (1 of 4 stars). 14 submissions from 11 submitters: Uncertain significance (4); Benign (1); Likely benign (8). 1 of the submissions does not count toward it. Last evaluated 2026-01-17.

Conditions:
KCNQ1-related disorder. Also called: KCNQ1-related condition; KCNQ1-related disorders. Identifiers: MedGen CN239322.
Cardiac arrhythmia. Also called: Arrhythmia; Cardiac rhythm disease. Identifiers: MedGen C0003811, MONDO:0007263, HP:0011675.
Cardiovascular phenotype. Identifiers: MedGen CN230736.
Long QT syndrome (LQTS). Identifiers: MedGen C0023976, MeSH D008133, MONDO:0002442. Disease mechanism: loss of function. Inheritance: Various modes of inheritance.
Atrial fibrillation, familial, 3 (ATFB3). Identifiers: MedGen C1837014, MONDO:0011857, OMIM 607554.
Long QT syndrome 1 (LQT1). Identifiers: Orphanet 101016, Orphanet 768, MedGen C4551647, MONDO:0100316, OMIM 192500, MONDO:0008646.
Jervell and Lange-Nielsen syndrome 1 (JLNS1). Also called: PROLONGED QT INTERVAL IN EKG AND SUDDEN DEATH; SURDO-CARDIAC SYNDROME; CARDIOAUDITORY SYNDROME OF JERVELL AND LANGE-NIELSEN; DEAFNESS, CONGENITAL, AND FUNCTIONAL HEART DISEASE. Identifiers: Orphanet 768, Orphanet 90647, MedGen C4551509, MONDO:0024540, OMIM 220400.
Short QT syndrome type 2. Identifiers: Orphanet 51083, MedGen C1865019, MONDO:0012313, OMIM 609621.

Allele frequency attached by ClinVar (database versions not stated): ExAC 0.00005; gnomAD 0.00006 and 0.00007; TOPMed 0.00008; gnomAD exomes 0.00010.
gnomAD v4.1: 144 of 1,613,718 alleles (0.0089%); highest among the groups gnomAD compares: Middle Eastern, 0.033%; no homozygotes.

Submissions (14):

Labcorp Genetics (formerly Invitae), Labcorp
Classification: Likely benign for Long QT syndrome. Last evaluated: 2026-01-17. Review status: criteria provided, single submitter. Criteria: Invitae Variant Classification Sherloc (09022015). Collection method: clinical testing. Allele origin: germline.

Molecular Diagnostic Laboratory for Inherited Cardiovascular Disease, Montreal Heart Institute
Classification: Likely benign. Last evaluated: 2025-04-09. Review status: criteria provided, single submitter. Criteria: ACMG Guidelines, 2015. Collection method: clinical testing. Allele origin: germline. Affected: no.

CeGaT Center for Human Genetics Tuebingen
Classification: Likely benign. Last evaluated: 2025-02-01. Review status: criteria provided, single submitter. Criteria: CeGaT Center For Human Genetics Tuebingen Variant Classification Criteria Version 2. Collection method: clinical testing. Allele origin: germline. Affected: yes. Observed: 3 variant alleles.
Comment: KCNQ1: BP4, BP7

Blueprint Genetics
Classification: Likely benign. Last evaluated: 2024-08-31. Review status: criteria provided, single submitter. Criteria: ACMG Guidelines, 2015. Collection method: clinical testing. Allele origin: germline.

All of Us Research Program, National Institutes of Health
Classification: Likely benign for Long QT syndrome. Last evaluated: 2024-02-05. Review status: criteria provided, single submitter. Criteria: ACMG Guidelines, 2015. Collection method: clinical testing. Allele origin: germline. Inheritance: Autosomal dominant inheritance. Observed: 28 variant alleles, 28 heterozygotes.
Comment: This study involves interpretation of variants in research participants for the purpose of population health screening. Participant phenotype was not available at the time of variant classification. Additional details can be found in publication PMID: 35346344, PMCID: PMC8962531

Ambry Genetics
Classification: Likely benign for Cardiovascular phenotype. Last evaluated: 2019-09-23. Review status: criteria provided, single submitter. Criteria: Ambry Variant Classification Scheme 2023. Collection method: clinical testing. Allele origin: germline.

Color Diagnostics, LLC DBA Color Health
Classification: Likely benign for Arrhythmia. Last evaluated: 2018-12-03. Review status: criteria provided, single submitter. Criteria: ACMG Guidelines, 2015. Collection method: clinical testing. Allele origin: germline.

Illumina Laboratory Services, Illumina
Classification: Uncertain significance for Short QT syndrome type 2. Last evaluated: 2018-06-12. Review status: criteria provided, single submitter. Criteria: ICSL Variant Classification Criteria 13 December 2019. Collection method: clinical testing. Allele origin: germline.

Illumina Laboratory Services, Illumina
Classification: Uncertain significance for Jervell and Lange-Nielsen syndrome 1. Last evaluated: 2018-06-12. Review status: criteria provided, single submitter. Criteria: ICSL Variant Classification Criteria 13 December 2019. Collection method: clinical testing. Allele origin: germline.

Illumina Laboratory Services, Illumina
Classification: Uncertain significance for Long QT syndrome 1. Last evaluated: 2018-06-12. Review status: criteria provided, single submitter. Criteria: ICSL Variant Classification Criteria 13 December 2019. Collection method: clinical testing. Allele origin: germline.

Illumina Laboratory Services, Illumina
Classification: Uncertain significance for Atrial fibrillation, familial, 3. Last evaluated: 2018-06-12. Review status: criteria provided, single submitter. Criteria: ICSL Variant Classification Criteria 13 December 2019. Collection method: clinical testing. Allele origin: germline.

GeneDx
Classification: Benign. Last evaluated: 2015-03-03. Review status: criteria provided, single submitter. Criteria: GeneDx Variant Classification Process June 2021. Collection method: clinical testing. Allele origin: germline. Affected: yes.

Laboratory for Molecular Medicine, Mass General Brigham Personalized Medicine
Classification: Likely benign. Last evaluated: 2013-09-10. Review status: criteria provided, single submitter. Criteria: LMM Criteria. Collection method: clinical testing. Allele origin: germline. Observed: 3 variant alleles.
Comment: Ala300Ala in Exon 6 of KCNQ1: This variant is not expected to have clinical sign ificance because it does not alter an amino acid residue and is not located with in the splice consensus sequence.

PreventionGenetics, part of Exact Sciences
Classification: Likely benign for KCNQ1-related condition. Last evaluated: 2023-12-27. Review status: no assertion criteria provided. Collection method: clinical testing. Allele origin: germline. Not counted in ClinVar's aggregate classification.
Comment: This variant is classified as likely benign based on ACMG/AMP sequence variant interpretation guidelines (Richards et al. 2015 PMID: 25741868, with internal and published modifications).

NM_000218.3(KCNQ1):c.900A>C (p.Ala300=)

Gene: KCNQ1 (potassium voltage-gated channel subfamily Q member 1; plus strand). Cytogenetic location: 11p15.5.
Variant type: single nucleotide variant.
Coding change: c.900A>C on transcript NM_000218.3 (MANE Select); coding-DNA position 900, A replaced by C.
Protein change: p.Ala300=; no amino-acid change (alanine 300 retained).
Molecular consequence: synonymous variant. On other transcripts: intron variant (1).
Genome position (GRCh38, 1-based): chr11:2,572,965, A>C. VCF-style: chr11-2572965-A-C. GRCh37 (hg19) VCF-style: chr11-2594195-A-C.
Other names: c.900A>C, p.Ala300= (NM_001406836.1); c.630A>C, p.Ala210= (NM_001406837.1); c.519A>C, p.Ala173= (NM_181798.2); c.478-10470A>C (NM_001406838.1).
Identifiers: ClinVar variation 179293 (VCV000179293.57), dbSNP rs727504769, ClinGen allele CA008569.